The following is an entry in ClinVar:

ClinVar aggregate classification (germline): Conflicting classifications of pathogenicity. Review status: criteria provided, conflicting classifications (1 of 4 stars). 3 submissions from 3 submitters: Likely pathogenic (1); Uncertain significance (2). Last evaluated 2026-01-26.

Conditions:
Early-infantile DEE. Also called: Ohtahara syndrome; Early infantile epileptic encephalopathy; Early infantile epileptic encephalopathy with suppression bursts. Identifiers: Orphanet 1934, MedGen C0393706, MONDO:0800491.

Allele frequency attached by ClinVar (database versions not stated): gnomAD exomes below 0.00001 and 0.00001; ExAC 0.00002; gnomAD 0.00002; TOPMed 0.00003.
gnomAD v4.1: 10 of 1,612,628 alleles (0.00062%); highest among the groups gnomAD compares: African/African-American, 0.0013%; no homozygotes.

Submissions (3):

Labcorp Genetics (formerly Invitae), Labcorp
Classification: Likely pathogenic for Early-infantile DEE. Last evaluated: 2026-01-26. Review status: criteria provided, single submitter. Criteria: Invitae Variant Classification Sherloc (09022015). Collection method: clinical testing. Allele origin: germline.
Comment: This sequence change replaces leucine, which is neutral and non-polar, with isoleucine, which is neutral and non-polar, at codon 1595 of the SCN1A protein (p.Leu1595Ile). This variant is present in population databases (rs756238700, gnomAD 0.002%). This missense change has been observed in individuals with clinical features of autosomal dominant SCN1A-related conditions (internal data). ClinVar contains an entry for this variant (Variation ID: 569312). Invitae Evidence Modeling of protein sequence and biophysical properties (such as structural, functional, and spatial information, amino acid conservation, physicochemical variation, residue mobility, and thermodynamic stability) indicates that this missense variant is expected to disrupt SCN1A protein function with a positive predictive value of 95%. In summary, the currently available evidence indicates that the variant is pathogenic, but additional data are needed to prove that conclusively. Therefore, this variant has been classified as Likely Pathogenic.

GeneDx
Classification: Uncertain significance. Last evaluated: 2023-01-11. Review status: criteria provided, single submitter. Criteria: GeneDx Variant Classification Process June 2021. Collection method: clinical testing. Allele origin: germline. Affected: yes.
Comment: Not observed at significant frequency in large population cohorts (gnomAD); Missense variants in this gene are often considered pathogenic (HGMD); In silico analysis supports that this missense variant does not alter protein structure/function; Has not been previously published as pathogenic or benign to our knowledge; This substitution is predicted to be within the intracellular loop between the S2 and S3 transmembrane segments of the fourth homologous domain

CeGaT Center for Human Genetics Tuebingen
Classification: Uncertain significance. Last evaluated: 2022-06-01. Review status: criteria provided, single submitter. Criteria: CeGaT Center For Human Genetics Tuebingen Variant Classification Criteria Version 2. Collection method: clinical testing. Allele origin: germline. Affected: yes. Observed: 1 variant allele.
Comment: SCN1A: PP2

NM_001165963.4(SCN1A):c.4783C>A (p.Leu1595Ile)

Genes: SCN1A (sodium voltage-gated channel alpha subunit 1; minus strand), LOC102724058 (uncharacterized LOC102724058; plus strand). Cytogenetic location: 2q24.3.
Variant type: single nucleotide variant.
Coding change: c.4783C>A on transcript NM_001165963.4 (MANE Select); coding-DNA position 4783, C replaced by A.
Protein change: p.Leu1595Ile; replaces leucine 1595 with isoleucine.
Molecular consequence: missense variant. On other transcripts: non-coding transcript variant (1).
Genome position (GRCh38, 1-based): chr2:165,994,215, G>T on the plus strand (C>A on the coding strand, the complement: SCN1A is on the minus strand). VCF-style: chr2-165994215-G-T. GRCh37 (hg19) VCF-style: chr2-166850725-G-T.
Other names: c.4699C>A, p.Leu1567Ile (NM_001165964.3, NM_001353957.2, NM_001353958.2); c.4783C>A, p.Leu1595Ile (NM_001202435.3, NM_001353948.2); c.4750C>A, p.Leu1584Ile (NM_001353949.2, NM_001353950.2, NM_001353951.2 and 2 more transcripts); c.4747C>A, p.Leu1583Ile (NM_001353954.2, NM_001353955.2); c.4696C>A, p.Leu1566Ile (NM_001353960.2); c.2341C>A, p.Leu781Ile (NM_001353961.2); short protein forms L1584I, L1595I, L781I, L1583I, L1566I, L1567I.
Identifiers: ClinVar variation 569312 (VCV000569312.39), dbSNP rs756238700, ClinGen allele CA1942738.